The following is an entry in ClinVar:

NM_007254.4(PNKP):c.1295_1298+3del

Gene: PNKP (polynucleotide kinase 3'-phosphatase; minus strand). Cytogenetic location: 19q13.33.
Variant type: Deletion.
Coding change: c.1295_1298+3del on transcript NM_007254.4 (MANE Select); coding-DNA position 1295 through 3 bases into the intron after coding-DNA position 1298, 7 bases deleted (CCAGGTA; older notation c.1295_1298+3delCCAGGTA).
Molecular consequence: splice donor variant.
Genome position (GRCh38, 1-based): chr19:49,861,769-49,861,775, TACCTGG deleted on the plus strand (CCAGGTA on the coding strand, the reverse complement: PNKP is on the minus strand). VCF-style (leftmost placement, unchanged base first): chr19-49861768-CTACCTGG-C. GRCh37 (hg19) VCF-style: chr19-50365025-CTACCTGG-C.
Identifiers: ClinVar variation 2578839 (VCV002578839.25), dbSNP rs2514633332, ClinGen allele CA2580617890.

ClinVar aggregate classification (germline): Pathogenic (1 of 4 stars; one submission).

Allele frequency attached by ClinVar (database versions not stated): gnomAD exomes below 0.00001.

Submission:

CeGaT Center for Human Genetics Tuebingen
Classification: Pathogenic. Last evaluated: 2023-07-01. Review status: criteria provided, single submitter. Criteria: CeGaT Center For Human Genetics Tuebingen Variant Classification Criteria Version 2. Collection method: clinical testing. Allele origin: germline. Affected: yes. Observed: 1 variant allele.
Comment: PNKP: PVS1, PM2